The following is an entry in ClinVar:

NM_020297.4(ABCC9):c.305T>C (p.Leu102Pro)

Gene: ABCC9 (ATP binding cassette subfamily C member 9; minus strand). Cytogenetic location: 12p12.1.
Variant type: single nucleotide variant.
Coding change: c.305T>C on transcript NM_020297.4 (MANE Select); coding-DNA position 305, T replaced by C.
Protein change: p.Leu102Pro; replaces leucine 102 with proline.
Molecular consequence: missense variant. On other transcripts: 5 prime UTR variant (1).
Genome position (GRCh38, 1-based): chr12:21,926,043, A>G on the plus strand (T>C on the coding strand, the complement: ABCC9 is on the minus strand). VCF-style: chr12-21926043-A-G. GRCh37 (hg19) VCF-style: chr12-22078977-A-G.
Other names: c.305T>C, p.Leu102Pro (NM_001377273.1, NM_005691.4); c.-150T>C (NM_001377274.1); c.305T>C (NM_020297.3); short protein forms L102P.
Identifiers: ClinVar variation 426305 (VCV000426305.31), dbSNP rs374659816, ClinGen allele CA6481903.

ClinVar aggregate classification (germline): Conflicting classifications of pathogenicity. Review status: criteria provided, conflicting classifications (1 of 4 stars). 10 submissions from 10 submitters: Uncertain significance (2); Likely benign (5). 3 of the submissions do not count toward it. Last evaluated 2026-02-01.

Conditions:
ABCC9-related disorder. Also called: ABCC9-related condition; ABCC9-related disorders.
Cardiovascular phenotype. Identifiers: MedGen CN230736.
Dilated cardiomyopathy 1O (CMD1O). Also called: CARDIOMYOPATHY, DILATED, WITH VENTRICULAR TACHYCARDIA. Identifiers: Orphanet 154, MedGen C1837839, MONDO:0012062, OMIM 608569.

Allele frequency attached by ClinVar (database versions not stated): gnomAD exomes 0.00001 and 0.00008; ESP Exome Variant Server 0.00008; ExAC 0.00009; TOPMed 0.00018; gnomAD 0.00025 and 0.00029.

Submissions (10):

Labcorp Genetics (formerly Invitae), Labcorp
Classification: Likely benign for Dilated cardiomyopathy 1O. Last evaluated: 2026-02-01. Review status: criteria provided, single submitter. Criteria: Invitae Variant Classification Sherloc (09022015). Collection method: clinical testing. Allele origin: germline.

Ambry Genetics
Classification: Likely benign for Cardiovascular phenotype. Last evaluated: 2025-12-22. Review status: criteria provided, single submitter. Criteria: Ambry Variant Classification Scheme 2023. Collection method: clinical testing. Allele origin: germline.

Blueprint Genetics
Classification: Likely benign. Last evaluated: 2024-11-11. Review status: criteria provided, single submitter. Criteria: ACMG Guidelines, 2015. Collection method: clinical testing. Allele origin: germline.

Women's Health and Genetics/Laboratory Corporation of America, LabCorp
Classification: Likely benign. Last evaluated: 2023-07-17. Review status: criteria provided, single submitter. Criteria: LabCorp Variant Classification Summary - May 2015. Collection method: clinical testing. Allele origin: germline.

Revvity Omics, Revvity
Classification: Uncertain significance. Last evaluated: 2023-06-08. Review status: criteria provided, single submitter. Criteria: ACMG Guidelines, 2015. Collection method: clinical testing. Allele origin: germline.

GeneDx
Classification: Likely benign. Last evaluated: 2020-10-07. Review status: criteria provided, single submitter. Criteria: GeneDx Variant Classification Process June 2021. Collection method: clinical testing. Allele origin: germline. Affected: yes.
Comment: Has not been previously published as pathogenic or benign to our knowledge; In silico analysis, which includes protein predictors and evolutionary conservation, supports that this variant does not alter protein structure/function

Laboratory for Molecular Medicine, Mass General Brigham Personalized Medicine
Classification: Uncertain significance. Last evaluated: 2017-05-22. Review status: criteria provided, single submitter. Criteria: LMM Criteria. Collection method: clinical testing. Allele origin: germline. Observed: 1 variant allele.
Comment: The p.Leu102Pro variant in ABCC9 has not been previously reported in individuals with cardiomyopathy, but has been identified in 0.08% (19/24034) of African chr omosomes by the genome Aggregation Database (gnomAD, e.org/; dbSNP rs374659816). Computational prediction tools and conservation anal ysis do not provide strong support for or against an impact to the protein. In s ummary, the clinical significance of the p.Leu102Pro variant is uncertain.

PreventionGenetics, part of Exact Sciences
Classification: Likely benign for ABCC9-related condition. Last evaluated: 2022-02-16. Review status: no assertion criteria provided. Collection method: clinical testing. Allele origin: germline. Not counted in ClinVar's aggregate classification.
Comment: This variant is classified as likely benign based on ACMG/AMP sequence variant interpretation guidelines (Richards et al. 2015 PMID: 25741868, with internal and published modifications).

Clinical Genetics DNA and cytogenetics Diagnostics Lab, Erasmus MC, Erasmus Medical Center
Classification: Uncertain significance. Review status: no assertion criteria provided. Collection method: clinical testing. Allele origin: germline. Affected: yes. Study: VKGL Data-share Consensus. Not counted in ClinVar's aggregate classification.

Diagnostic Laboratory, Department of Genetics, University Medical Center Groningen
Classification: Uncertain significance. Review status: no assertion criteria provided. Collection method: clinical testing. Allele origin: germline. Affected: yes. Study: VKGL Data-share Consensus. Not counted in ClinVar's aggregate classification.